The following is an entry in ClinVar:

ClinVar aggregate classification (germline): Uncertain significance (1 of 4 stars; one submission).

gnomAD v4.1: 10 of 1,606,456 alleles (0.00062%); highest among the groups gnomAD compares: Non-Finnish European, 0.00085%; no homozygotes.

Submission:

GeneDx
Classification: Uncertain significance. Last evaluated: 2025-04-23. Review status: criteria provided, single submitter. Criteria: GeneDx Variant Classification Process June 2021. Collection method: clinical testing. Allele origin: germline. Affected: yes.
Comment: Not observed at significant frequency in large population cohorts (gnomAD); In silico analysis supports that this missense variant has a deleterious effect on protein structure/function; Has not been previously published as pathogenic or benign to our knowledge

NM_000719.7(CACNA1C):c.1415A>C (p.Glu472Ala)

Gene: CACNA1C (calcium voltage-gated channel subunit alpha1 C; plus strand). Cytogenetic location: 12p13.33.
Variant type: single nucleotide variant.
Coding change: c.1415A>C on transcript NM_000719.7 (MANE Select); coding-DNA position 1415, A replaced by C.
Protein change: p.Glu472Ala; replaces glutamic acid 472 with alanine.
Molecular consequence: missense variant.
Genome position (GRCh38, 1-based): chr12:2,549,967, A>C. VCF-style: chr12-2549967-A-C. GRCh37 (hg19) VCF-style: chr12-2659133-A-C.
Other names: c.1415A>C, p.Glu472Ala (NM_001129830.3, NM_001129831.2, NM_001129832.2 and 18 more transcripts); c.1406A>C, p.Glu469Ala (NM_001129844.2); short protein forms E469A, E472A.
Identifiers: ClinVar variation 4527333 (VCV004527333.1).
Genomic context (GRCh38, chr12:2,549,967, plus strand): 5'-TCAATGCCTGGCTCTGCTTCCCTTTGACTCTTGCAGTGAGCATGCCCACCAGTGAGACCG[A>C]GTCCGTCAACACCGAAAACGTGGCTGGAGGTGACATCGAGGGAGAAAACTGCGGGGCCAG-3'
Protein context (NP_000710.5, residues 462-482): RNMSMPTSET[Glu472Ala]SVNTENVAGG